The following is an entry in ClinVar:

NM_000548.5(TSC2):c.5124G>A (p.Leu1708=)

Gene: TSC2 (TSC complex subunit 2; plus strand). Cytogenetic location: 16p13.3.
Variant type: single nucleotide variant.
Coding change: c.5124G>A on transcript NM_000548.5 (MANE Select); coding-DNA position 5124, G replaced by A.
Protein change: p.Leu1708=; no amino-acid change (leucine 1708 retained).
Molecular consequence: synonymous variant.
Genome position (GRCh38, 1-based): chr16:2,088,103, G>A. VCF-style: chr16-2088103-G-A. GRCh37 (hg19) VCF-style: chr16-2138104-G-A.
Other names: c.4923G>A, p.Leu1641= (NM_001077183.3); c.5055G>A, p.Leu1685= (NM_001114382.3); c.4815G>A, p.Leu1605= (NM_001318827.2); c.4779G>A, p.Leu1593= (NM_001318829.2); c.4392G>A, p.Leu1464= (NM_001318831.2); c.4956G>A, p.Leu1652= (NM_001318832.2); c.4926G>A, p.Leu1642= (NM_001363528.2); c.4992G>A, p.Leu1664= (NM_001370404.1); and 1 more.
Identifiers: ClinVar variation 1596029 (VCV001596029.10), dbSNP rs2151622005, ClinGen allele CA493043663.
Genomic context (GRCh38, chr16:2,088,103, plus strand): 5'-CCCAGACATGGAGGGCCTTGTGGACACCAGCGTGGCCAAGATCGTGTCTGACCGCAACCT[G>A]CCCTTCGTGGCCCGCCAGATGGCCCTGCACGCAAATGTGAGTGGGGGTGGGTCCAGGCGT-3'
Protein context (NP_000539.2, residues 1698-1718): SVAKIVSDRN[Leu1708=]PFVARQMALH

ClinVar aggregate classification (germline): Benign/Likely benign. Review status: criteria provided, multiple submitters, no conflicts (2 of 4 stars). 3 submissions from 3 submitters: Benign (1); Likely benign (2). Last evaluated 2025-06-06.

Conditions:
Tuberous sclerosis syndrome (TSC). Also called: Tuberous Sclerosis Complex; Tuberous sclerosis. Identifiers: Orphanet 805, MedGen C0041341, MONDO:0001734.
Tuberous sclerosis 2 (TSC2). Identifiers: Orphanet 805, MedGen C1860707, MONDO:0013199, OMIM 613254.

gnomAD v4.1: 2 of 1,612,928 alleles (0.00012%); highest among the groups gnomAD compares: Non-Finnish European, 0.00017%; no homozygotes.

Submissions (3):

Myriad Genetics, Inc.
Classification: Benign for Tuberous sclerosis 2. Last evaluated: 2025-06-06. Review status: criteria provided, single submitter. Criteria: Myriad Autosomal Dominant, Autosomal Recessive and X-Linked Classification Criteria (2023). Collection method: clinical testing. Allele origin: unknown.
Comment: This variant is considered benign. This variant is a silent/synonymous amino acid change and it is not expected to impact splicing.

Labcorp Genetics (formerly Invitae), Labcorp
Classification: Likely benign for Tuberous sclerosis 2. Last evaluated: 2025-01-23. Review status: criteria provided, single submitter. Criteria: Invitae Variant Classification Sherloc (09022015). Collection method: clinical testing. Allele origin: germline.

All of Us Research Program, National Institutes of Health
Classification: Likely benign for Tuberous sclerosis syndrome. Last evaluated: 2023-07-10. Review status: criteria provided, single submitter. Criteria: ACMG Guidelines, 2015. Collection method: clinical testing. Allele origin: germline. Inheritance: Autosomal dominant inheritance. Observed: 1 variant allele, 1 heterozygote.
Comment: This study involves interpretation of variants in research participants for the purpose of population health screening. Participant phenotype was not available at the time of variant classification. Additional details can be found in publication PMID: 35346344, PMCID: PMC8962531